The following is an entry in ClinVar:

ClinVar aggregate classification (germline): Uncertain significance (1 of 4 stars; one submission).

gnomAD v4.1: 4 of 1,612,742 alleles (0.00025%); highest among the groups gnomAD compares: Non-Finnish European, 0.00034%; no homozygotes.

Submission:

Ambry Genetics
Classification: Uncertain significance. Last evaluated: 2025-03-25. Review status: criteria provided, single submitter. Criteria: Ambry Variant Classification Scheme 2023. Collection method: clinical testing. Allele origin: germline.
Comment: The p.V932L variant (also known as c.2794G>T), located in coding exon 11 of the WNK2 gene, results from a G to T substitution at nucleotide position 2794. The valine at codon 932 is replaced by leucine, an amino acid with highly similar properties. This amino acid position is conserved. In addition, this alteration is predicted to be tolerated by in silico analysis. Based on the available evidence, the clinical significance of this variant remains unclear.

NM_006648.4(WNK2):c.2794G>T (p.Val932Leu)

Gene: WNK2 (WNK lysine deficient protein kinase 2; plus strand). Cytogenetic location: 9q22.31.
Variant type: single nucleotide variant.
Coding change: c.2794G>T on transcript NM_006648.4 (MANE Select); coding-DNA position 2794, G replaced by T.
Protein change: p.Val932Leu; replaces valine 932 with leucine.
Molecular consequence: missense variant.
Genome position (GRCh38, 1-based): chr9:93,259,342, G>T. VCF-style: chr9-93259342-G-T. GRCh37 (hg19) VCF-style: chr9-96021624-G-T.
Other names: c.2794G>T, p.Val932Leu (NM_001282394.3); short protein forms V932L.
Identifiers: ClinVar variation 3981717 (VCV003981717.1).